The following is an entry in ClinVar:

NM_000059.4(BRCA2):c.6291_6293delinsT (p.Thr2097_Ser2098insTer)

Gene: BRCA2 (BRCA2 DNA repair associated; plus strand). Cytogenetic location: 13q13.1.
Variant type: Indel.
Coding change: c.6291_6293delinsT on transcript NM_000059.4 (MANE Select); coding-DNA positions 6291 to 6293, GTC replaced by T.
Protein change: p.Thr2097_Ser2098insTer.
Molecular consequence: frameshift variant. On other transcripts: non-coding transcript variant (1), intron variant (2).
Genome position (GRCh38, 1-based): chr13:32,340,646-32,340,648, GTC replaced by T. VCF-style: chr13-32340646-GTC-T. GRCh37 (hg19) VCF-style: chr13-32914783-GTC-T.
Other names: c.6291_6293delinsT, p.Thr2097_Ser2098insTer (NM_001406720.1, NM_001406719.1); c.1910-3912_1910-3910delinsT (NM_001406721.1); c.425-3912_425-3910delinsT (NM_001406722.1).
Identifiers: ClinVar variation 2673986 (VCV002673986.1), dbSNP rs2548532982, ClinGen allele CA2695199692.

ClinVar aggregate classification (germline): Pathogenic (1 of 4 stars; one submission).

Conditions:
Breast-ovarian cancer, familial, susceptibility to, 2 (BROVCA2). Also called: BRCA2 Hereditary Breast and Ovarian Cancer. Identifiers: Orphanet 145, MedGen C2675520, MONDO:0012933, OMIM 612555. Disease mechanism: loss of function.

Submission:

Myriad Genetics, Inc.
Classification: Pathogenic for Breast-ovarian cancer, familial, susceptibility to, 2. Last evaluated: 2023-10-19. Review status: criteria provided, single submitter. Criteria: Myriad Autosomal Dominant, Autosomal Recessive and X-Linked Classification Criteria (2023). Collection method: clinical testing. Allele origin: unknown.
Comment: This variant is considered pathogenic. This variant creates a termination codon and is predicted to result in premature protein truncation.